The following is an entry in ClinVar:

NM_002693.3(POLG):c.954C>A (p.Gly318=)

Gene: POLG (DNA polymerase gamma, catalytic subunit; minus strand). Cytogenetic location: 15q26.1.
Variant type: single nucleotide variant.
Coding change: c.954C>A on transcript NM_002693.3 (MANE Select); coding-DNA position 954, C replaced by A.
Protein change: p.Gly318=; no amino-acid change (glycine 318 retained).
Molecular consequence: synonymous variant.
Genome position (GRCh38, 1-based): chr15:89,329,012, G>T on the plus strand (C>A on the coding strand, the complement: POLG is on the minus strand). VCF-style: chr15-89329012-G-T. GRCh37 (hg19) VCF-style: chr15-89872243-G-T.
Other names: c.954C>A, p.Gly318= (NM_001126131.2).
Identifiers: ClinVar variation 3031567 (VCV003031567.2), dbSNP rs1057357095, ClinGen allele CA274558838.
Genomic context (GRCh38, chr15:89,329,012, plus strand): 5'-TCTTCTGGCTTTCCTCTGGGACTTCTGGCCTTGCTTTGTGGGGGGCTGGACCTTGTGTTT[G>T]CCCTGCTTGGCTGCTATCCACAGACTGCGCTGGAAGCTGCTTAGCCCTGAGATGGCCATG-3'
Protein context (NP_002684.1, residues 308-328): QRSLWIAAKQ[Gly318=]KHKVQPPTKQ

ClinVar aggregate classification (germline): Likely benign (0 of 4 stars; one submission).

Conditions:
POLG-related disorder. Also called: POLG-Related Spectrum Disorders; POLG-related condition; POLG-Related Disorders. Identifiers: MedGen C4763519.

Allele frequency attached by ClinVar (database versions not stated): gnomAD exomes below 0.00001; TOPMed 0.00001.
gnomAD v4.1: 6 of 1,613,478 alleles (0.00037%); highest among the groups gnomAD compares: African/African-American, 0.0013%; no homozygotes.

Submission:

PreventionGenetics, part of Exact Sciences
Classification: Likely benign for POLG-related condition. Last evaluated: 2021-04-15. Review status: no assertion criteria provided. Collection method: clinical testing. Allele origin: germline.
Comment: This variant is classified as likely benign based on ACMG/AMP sequence variant interpretation guidelines (Richards et al. 2015 PMID: 25741868, with internal and published modifications).